The following is an entry in ClinVar:

ClinVar aggregate classification (germline): Uncertain significance. Review status: criteria provided, multiple submitters, no conflicts (2 of 4 stars). 2 submissions from 2 submitters: Uncertain significance (2). Last evaluated 2024-06-17.

Allele frequency attached by ClinVar (database versions not stated): gnomAD exomes 0.00001 and 0.00002; ExAC 0.00004; gnomAD 0.00013 and 0.00016; 1000 Genomes Project 30x 0.00031; TOPMed 0.00031; 1000 Genomes Project 0.00040.
gnomAD v4.1: 43 of 1,609,586 alleles (0.0027%); highest among the groups gnomAD compares: Admixed American, 0.049%; no homozygotes.

Submissions (2):

Labcorp Genetics (formerly Invitae), Labcorp
Classification: Uncertain significance. Last evaluated: 2024-06-17. Review status: criteria provided, single submitter. Criteria: Invitae Variant Classification Sherloc (09022015). Collection method: clinical testing. Allele origin: germline.
Comment: This sequence change falls in intron 66 of the HERC1 gene. It does not directly change the encoded amino acid sequence of the HERC1 protein. It affects a nucleotide within the consensus splice site. This variant is present in population databases (rs199811363, gnomAD 0.01%). This variant has not been reported in the literature in individuals affected with HERC1-related conditions. ClinVar contains an entry for this variant (Variation ID: 1315716). Variants that disrupt the consensus splice site are a relatively common cause of aberrant splicing (PMID: 17576681, 9536098). Algorithms developed to predict the effect of sequence changes on RNA splicing suggest that this variant is not likely to affect RNA splicing. In summary, the available evidence is currently insufficient to determine the role of this variant in disease. Therefore, it has been classified as a Variant of Uncertain Significance.

GeneDx
Classification: Uncertain significance. Last evaluated: 2019-05-24. Review status: criteria provided, single submitter. Criteria: GeneDx Variant Classification Process June 2021. Collection method: clinical testing. Allele origin: germline. Affected: yes.
Comment: Not observed in large population cohorts (Lek et al., 2016); Has not been previously published as pathogenic or benign to our knowledge; In-silico analysis, which includes splice predictors and evolutionary conservation, is inconclusive as to whether the variant alters gene splicing. In the absence of RNA/functional studies, the actual effect of this sequence change is unknown.

Literature cited by the submitters: PubMed 17576681 (cited by Labcorp Genetics (formerly Invitae), Labcorp); PubMed 9536098 (cited by Labcorp Genetics (formerly Invitae), Labcorp).

NM_003922.4(HERC1):c.12570+6G>A

Gene: HERC1 (HECT and RLD domain containing E3 ubiquitin protein ligase family member 1; minus strand). Cytogenetic location: 15q22.31.
Variant type: single nucleotide variant.
Coding change: c.12570+6G>A on transcript NM_003922.4 (MANE Select); 6 bases into the intron after coding-DNA position 12570, G replaced by A.
Molecular consequence: intron variant.
Genome position (GRCh38, 1-based): chr15:63,634,727, C>T on the plus strand (G>A on the coding strand, the complement: HERC1 is on the minus strand). VCF-style: chr15-63634727-C-T. GRCh37 (hg19) VCF-style: chr15-63926926-C-T.
Identifiers: ClinVar variation 1315716 (VCV001315716.4), dbSNP rs199811363, ClinGen allele CA7603971.